The following is an entry in ClinVar:

ClinVar aggregate classification (germline): Uncertain significance (1 of 4 stars; one submission).

Conditions:
Renal tubular acidosis, distal, 3, with or without sensorineural hearing loss (DRTA3). Identifiers: MedGen C5399980, MONDO:0011268, OMIM 602722.

Submission:

3billion
Classification: Uncertain significance for Renal tubular acidosis, distal, 3, with or without sensorineural hearing loss. Last evaluated: 2024-12-29. Review status: criteria provided, single submitter. Criteria: ACMG Guidelines, 2015. Collection method: clinical testing. Allele origin: germline. Affected: yes.
Comment: The variant is not observed in the gnomAD v4.1.0 dataset. Predicted Consequence/Location: Intron variant In silico tools predict the variant to alter splicing and produce an abnormal transcript [SpliceAI: 0.87 (>=0.2, moderate evidence for spliceogenicity)]. Therefore, this variant is classified as VUS according to the recommendation of ACMG/AMP guideline.

NM_020632.3(ATP6V0A4):c.2258-12C>A

Gene: ATP6V0A4 (ATPase H+ transporting V0 subunit a4; minus strand). Cytogenetic location: 7q34.
Variant type: single nucleotide variant.
Coding change: c.2258-12C>A on transcript NM_020632.3 (MANE Select); 12 bases into the intron before coding-DNA position 2258, C replaced by A.
Molecular consequence: intron variant.
Genome position (GRCh38, 1-based): chr7:138,709,807, G>T on the plus strand (C>A on the coding strand, the complement: ATP6V0A4 is on the minus strand). VCF-style: chr7-138709807-G-T. GRCh37 (hg19) VCF-style: chr7-138394552-G-T.
Other names: c.2258-12C>A (NM_130840.3, NM_130841.3).
Identifiers: ClinVar variation 4291960 (VCV004291960.1).
Genomic context (GRCh38, chr7:138,709,807, plus strand): 5'-GTCTGAAGGCCGCTGTTCATCACCATAGTCCAGAGCACTTCAGACAGTTCTGCAAGGTAC[G>T]AGAAACCACTGGGATTATCTTGTAAATGCAGATTGTTATTTATTGTATTTTCTCATCTTT-3'